The following is an entry in ClinVar:

NM_001845.6(COL4A1):c.2609G>A (p.Gly870Glu)

Gene: COL4A1 (collagen type IV alpha 1 chain; minus strand). Cytogenetic location: 13q34.
Variant type: single nucleotide variant.
Coding change: c.2609G>A on transcript NM_001845.6 (MANE Select); coding-DNA position 2609, G replaced by A.
Protein change: p.Gly870Glu; replaces glycine 870 with glutamic acid.
Molecular consequence: missense variant.
Genome position (GRCh38, 1-based): chr13:110,178,081, C>T on the plus strand (G>A on the coding strand, the complement: COL4A1 is on the minus strand). VCF-style: chr13-110178081-C-T. GRCh37 (hg19) VCF-style: chr13-110830428-C-T.
Other names: short protein forms G870E.
Identifiers: ClinVar variation 4531445 (VCV004531445.1).

ClinVar aggregate classification (germline): Pathogenic (1 of 4 stars; one submission).

Conditions:
Brain small vessel disease 1 with or without ocular anomalies (BSVD1). Also called: Brain small vessel disease with or without ocular anomalies; BRAIN SMALL VESSEL DISEASE WITH HEMORRHAGE; GOULD SYNDROME 1; PORENCEPHALY, TYPE 1, AUTOSOMAL DOMINANT. Identifiers: Orphanet 2940, Orphanet 36383, Orphanet 99810, MedGen C4755307, MONDO:0008289, OMIM 175780.

Submission:

Victorian Clinical Genetics Services, Murdoch Childrens Research Institute
Classification: Pathogenic for Brain small vessel disease 1 with or without ocular anomalies. Last evaluated: 2025-06-22. Review status: criteria provided, single submitter. Criteria: ACMG Guidelines, 2015. Collection method: clinical testing. Allele origin: germline. Affected: yes.
Comment: This variant is classified as Pathogenic. Evidence in support of pathogenic classification: Variant is absent from gnomAD (v2, v3 and v4); This variant has moderate previous evidence of pathogenicity in an unrelated individual. This variant has been reported in the literature as de novo in one individual with COL4A1-related features (PMID: 39433808); Variant is located in the well-established functional collagen domain and affects a glycine residue in the Gly-X-Y motif (DECIPHER); Missense variant predicted to be damaging by in silico tool(s) or highly conserved with a major amino acid change; Additional information: Variant is predicted to result in a missense amino acid change from Gly to Glu; This variant is heterozygous; This gene is associated with autosomal dominant disease; No published evidence of segregation with disease has been identified for this variant; No published functional evidence has been identified for this variant; No comparable missense variants have previous evidence for pathogenicity; Loss of function is a known mechanism of disease in this gene and is associated with COL4A1-related disorder (MONDO:0800461). Glycine substitutions affecting the Gly-X-Y repeat motif are known to have a dominant-negative mechanism of disease in other collagen genes, but conclusive functional evidence of a dominant-negative mechanism in this gene is not available (PMID: 16159887, 1867713, 23225343); The condition associated with this gene has incomplete penetrance (PMIDs: 21625620, 30413629).

Literature cited by the submitters: PubMed 23225343; PubMed 30413629; PubMed 1867713; PubMed 39433808; PubMed 16159887; PubMed 21625620.